The following is an entry in ClinVar:

ClinVar aggregate classification (germline): Uncertain significance (1 of 4 stars; one submission).

Allele frequency attached by ClinVar (database versions not stated): gnomAD exomes below 0.00001.
gnomAD v4.1: 3 of 1,614,216 alleles (0.00019%); highest among the groups gnomAD compares: Non-Finnish European, 0.00017%; no homozygotes.

Submission:

Women's Health and Genetics/Laboratory Corporation of America, LabCorp
Classification: Uncertain significance. Last evaluated: 2016-11-07. Review status: criteria provided, single submitter. Criteria: LabCorp Variant Classification Summary - May 2015. Collection method: clinical testing. Allele origin: germline.
Comment: Variant summary: The ABCA1 c.934C>T (p.Pro312Ser) variant causes a missense change involving a conserved nucleotide with 3/5 in silico tools predict a "damaging" outcome, although these predictions have yet to be functionally assessed. The variant of interest was not observed in controls (ExAC, 1000 Gs, or ESP), nor has it been, to our knowledge, reported in affected individuals via publications and/or reputable databases/clinical diagnostic laboratories. Therefore, until additional information becomes available (ie, clinical and functional studies), the variant of interest has been classified as a "Variant of Uncertain Significance (VUS)."

NM_005502.4(ABCA1):c.934C>T (p.Pro312Ser)

Gene: ABCA1 (ATP binding cassette subfamily A member 1; minus strand). Cytogenetic location: 9q31.1.
Variant type: single nucleotide variant.
Coding change: c.934C>T on transcript NM_005502.4 (MANE Select); coding-DNA position 934, C replaced by T.
Protein change: p.Pro312Ser; replaces proline 312 with serine.
Molecular consequence: missense variant.
Genome position (GRCh38, 1-based): chr9:104,840,399, G>A on the plus strand (C>T on the coding strand, the complement: ABCA1 is on the minus strand). VCF-style: chr9-104840399-G-A. GRCh37 (hg19) VCF-style: chr9-107602680-G-A.
Other names: short protein forms P312S.
Identifiers: ClinVar variation 496297 (VCV000496297.1), dbSNP rs1183201615, ClinGen allele CA374329511.
Genomic context (GRCh38, chr9:104,840,399, plus strand): 5'-CTTTGTAGTTGTTGTCCTCATACCAGTTGAGAGACTTGATCTTCAGCCCCCCTCCCTCGG[G>A]ATGCCCGCAGACAATACGAGACACAGCCTGGTAGATTTGGGTGGAGGAGCTGGAGCTGTT-3'
Protein context (NP_005493.2, residues 302-322): QAVSRIVCGH[Pro312Ser]EGGGLKIKSL